The following is an entry in ClinVar:

ClinVar aggregate classification (germline): Pathogenic (1 of 4 stars; one submission).

Conditions:
Progressive sclerosing poliodystrophy (MTDPS4A). Also called: Alpers-Huttenlocher Syndrome (AHS); Alpers Syndrome; ALPERS PROGRESSIVE INFANTILE POLIODYSTROPHY; Mitochondrial DNA depletion syndrome 4A (Alpers type); ALPERS DIFFUSE DEGENERATION OF CEREBRAL GRAY MATTER WITH HEPATIC CIRRHOSIS; Alpers-Huttenlocher Syndrome. Identifiers: Orphanet 726, MedGen C0205710, MONDO:0008758, OMIM 203700.

Submission:

Wong Mito Lab, Molecular and Human Genetics, Baylor College of Medicine
Classification: Pathogenic for Progressive sclerosing poliodystrophy. Last evaluated: 2018-10-01. Review status: criteria provided, single submitter. Criteria: ACMG Guidelines, 2015. Collection method: clinical testing. Allele origin: germline.
Comment: The NM_002693.2:c.2851T>A (NP_002684.1:p.Tyr951Asn) [GRCH38: NC_000015.10:g.89320896A>T] variant in POLG gene is interpretated to be a Pathogenic based on ACMG guidelines (PMID: 25741868). This variant meets the following evidence codes reported in the ACMG-guideline. PS2:This is a de Novo variant in POLG with confirmation of paternity & maternity PM1:This variant is in mutational hot spot or a well-studied functional domain without benign variation. PM2:This variant is absent in key population databases. PP2:This is a missense variant in POLG with a low rate of benign and high rate of pathogenic missense variations. PP3:Computational evidence/predictors indicate the variant has deleterious effect on POLG structure, function, or protein-protein interaction. Based on the evidence criteria codes applied, the variant is suggested to be Pathogenic.

NM_002693.3(POLG):c.2851T>A (p.Tyr951Asn)

Gene: POLG (DNA polymerase gamma, catalytic subunit; minus strand). Cytogenetic location: 15q26.1.
Variant type: single nucleotide variant.
Coding change: c.2851T>A on transcript NM_002693.3 (MANE Select); coding-DNA position 2851, T replaced by A.
Protein change: p.Tyr951Asn; replaces tyrosine 951 with asparagine.
Molecular consequence: missense variant.
Genome position (GRCh38, 1-based): chr15:89,320,896, A>T on the plus strand (T>A on the coding strand, the complement: POLG is on the minus strand). VCF-style: chr15-89320896-A-T. GRCh37 (hg19) VCF-style: chr15-89864127-A-T.
Other names: c.2851T>A, p.Tyr951Asn (NM_001126131.2); short protein forms Y951N.
Identifiers: ClinVar variation 619425 (VCV000619425.1), dbSNP rs1567186591, ClinGen allele CA10602245.